The following is an entry in ClinVar:

NM_001605.3(AARS1):c.2466A>G (p.Leu822=)

Gene: AARS1 (alanyl-tRNA synthetase 1; minus strand). Cytogenetic location: 16q22.1.
Variant type: single nucleotide variant.
Coding change: c.2466A>G on transcript NM_001605.3 (MANE Select); coding-DNA position 2466, A replaced by G.
Protein change: p.Leu822=; no amino-acid change (leucine 822 retained).
Molecular consequence: synonymous variant.
Genome position (GRCh38, 1-based): chr16:70,253,973, T>C on the plus strand (A>G on the coding strand, the complement: AARS1 is on the minus strand). VCF-style: chr16-70253973-T-C. GRCh37 (hg19) VCF-style: chr16-70287876-T-C.
Identifiers: ClinVar variation 738882 (VCV000738882.17), dbSNP rs1597432867, ClinGen allele CA496200771.

ClinVar aggregate classification (germline): Likely benign. Review status: criteria provided, multiple submitters, no conflicts (2 of 4 stars). 2 submissions from 2 submitters: Likely benign (2). Last evaluated 2024-10-01.

Allele frequency attached by ClinVar (database versions not stated): gnomAD exomes below 0.00001.
gnomAD v4.1: 2 of 1,614,112 alleles (0.00012%); highest among the groups gnomAD compares: Middle Eastern, 0.016%; no homozygotes.

Submissions (2):

CeGaT Center for Human Genetics Tuebingen
Classification: Likely benign. Last evaluated: 2024-10-01. Review status: criteria provided, single submitter. Criteria: CeGaT Center For Human Genetics Tuebingen Variant Classification Criteria Version 2. Collection method: clinical testing. Allele origin: germline. Affected: yes. Observed: 1 variant allele.
Comment: AARS1: BP4, BP7

Labcorp Genetics (formerly Invitae), Labcorp
Classification: Likely benign. Last evaluated: 2018-03-29. Review status: criteria provided, single submitter. Criteria: Invitae Variant Classification Sherloc (09022015). Collection method: clinical testing. Allele origin: germline.